The following is an entry in ClinVar:

ClinVar aggregate classification (germline): Uncertain significance. Review status: criteria provided, multiple submitters, no conflicts (2 of 4 stars). 5 submissions from 5 submitters: Uncertain significance (5). Last evaluated 2026-09-09.

Conditions:
Neurofibromatosis, type 2 (SWNV). Also called: BILATERAL ACOUSTIC NEUROFIBROMATOSIS; SCHWANNOMATOSIS, VESTIBULAR; NF2-Related Schwannomatosis. Identifiers: Orphanet 637, MedGen C0027832, MONDO:0007039, OMIM 101000. Disease mechanism: loss of function.
Hereditary cancer-predisposing syndrome. Also called: Neoplastic Syndromes, Hereditary; Hereditary Cancer Syndrome; Tumor predisposition; Hereditary neoplastic syndrome. Identifiers: Orphanet 140162, MedGen C0027672, MeSH D009386, MONDO:0015356.
NF2-related disorder. Also called: NF2-related condition.

Allele frequency attached by ClinVar (database versions not stated): gnomAD exomes below 0.00001.
gnomAD v4.1: 1 of 1,614,108 alleles (0.000062%); highest among the groups gnomAD compares: Admixed American, 0.0017%; no homozygotes.

Submissions (5):

PreventionGenetics, part of Exact Sciences
Classification: Uncertain significance for NF2-related condition. Last evaluated: 2026-09-09. Review status: criteria provided, single submitter. Criteria: ACMG Guidelines, 2015. Collection method: clinical testing. Allele origin: germline.
Comment: The NF2 c.361C>G variant is predicted to result in the amino acid substitution p.Gln121Glu. To our knowledge, this variant has not been reported in the literature. This variant is reported in 0.0029% of alleles in individuals of Latino descent in gnomAD. At this time, the clinical significance of this variant is uncertain due to the absence of conclusive functional and genetic evidence.

Labcorp Genetics (formerly Invitae), Labcorp
Classification: Uncertain significance for Neurofibromatosis, type 2. Last evaluated: 2025-11-26. Review status: criteria provided, single submitter. Criteria: Invitae Variant Classification Sherloc (09022015). Collection method: clinical testing. Allele origin: germline.
Comment: This sequence change replaces glutamine, which is neutral and polar, with glutamic acid, which is acidic and polar, at codon 121 of the NF2 protein (p.Gln121Glu). This variant is present in population databases (no rsID available, gnomAD 0.003%). This variant has not been reported in the literature in individuals affected with NF2-related conditions. ClinVar contains an entry for this variant (Variation ID: 823999). An algorithm developed to predict the effect of missense changes on protein structure and function (PolyPhen-2) suggests that this variant is likely to be disruptive. RNA analysis performed to evaluate the impact of this missense change on mRNA splicing indicates it does not significantly alter splicing (internal data). In summary, the available evidence is currently insufficient to determine the role of this variant in disease. Therefore, it has been classified as a Variant of Uncertain Significance.

Ambry Genetics
Classification: Uncertain significance for Hereditary cancer-predisposing syndrome. Last evaluated: 2025-11-13. Review status: criteria provided, single submitter. Criteria: Ambry Variant Classification Scheme 2023. Collection method: clinical testing. Allele origin: germline.
Comment: The p.Q121E variant (also known as c.361C>G), located in coding exon 3 of the NF2 gene, results from a C to G substitution at nucleotide position 361. The glutamine at codon 121 is replaced by glutamic acid, an amino acid with highly similar properties. This amino acid position is highly conserved in available vertebrate species. In addition, this alteration is predicted to be deleterious by in silico analysis. Based on the available evidence, the clinical significance of this variant remains unclear.

GeneDx
Classification: Uncertain significance. Last evaluated: 2025-01-28. Review status: criteria provided, single submitter. Criteria: GeneDx Variant Classification Process June 2021. Collection method: clinical testing. Allele origin: germline. Affected: yes.
Comment: In silico analysis supports that this missense variant has a deleterious effect on protein structure/function; Has not been previously published as pathogenic or benign to our knowledge; This variant is associated with the following publications: (PMID: 11756419, 16324214)

All of Us Research Program, National Institutes of Health
Classification: Uncertain significance for Neurofibromatosis, type 2. Last evaluated: 2023-06-26. Review status: criteria provided, single submitter. Criteria: ACMG Guidelines, 2015. Collection method: clinical testing. Allele origin: germline. Inheritance: Autosomal dominant inheritance. Observed: 1 variant allele, 1 heterozygote.
Comment: This missense variant replaces glutamine with glutamic acid at codon 121 of the NF2 protein. Computational prediction suggests that this variant may have deleterious impact on protein structure and function (internally defined REVEL score threshold >= 0.7, PMID: 27666373). To our knowledge, functional studies have not been reported for this variant. This variant has not been reported in individuals affected with NF2-related disorders in the literature. This variant has been identified in 1/251468 chromosomes in the general population by the Genome Aggregation Database (gnomAD). The available evidence is insufficient to determine the role of this variant in disease conclusively. Therefore, this variant is classified as a Variant of Uncertain Significance.

This study involves interpretation of variants in research participants for the purpose of population health screening. Participant phenotype was not available at the time of variant classification. Additional details can be found in publication PMID: 35346344, PMCID: PMC8962531

NM_000268.4(NF2):c.361C>G (p.Gln121Glu)

Gene: NF2 (NF2, moesin-ezrin-radixin like (MERLIN) tumor suppressor; plus strand). Cytogenetic location: 22q12.2.
Variant type: single nucleotide variant.
Coding change: c.361C>G on transcript NM_000268.4 (MANE Select); coding-DNA position 361, C replaced by G.
Protein change: p.Gln121Glu; replaces glutamine 121 with glutamic acid.
Molecular consequence: missense variant. On other transcripts: non-coding transcript variant (1), intron variant (3).
Genome position (GRCh38, 1-based): chr22:29,639,210, C>G. VCF-style: chr22-29639210-C-G. GRCh37 (hg19) VCF-style: chr22-30035199-C-G.
Other names: c.361C>G (NM_181832.2); c.361C>G, p.Gln121Glu (NM_016418.5, NM_181825.3, NM_181832.3 and 1 more transcripts); c.235C>G, p.Gln79Glu (NM_181828.3); c.240+2334C>G (NM_181829.3); c.115-2992C>G (NM_181830.3, NM_181831.3); short protein forms Q121E, Q79E.
Identifiers: ClinVar variation 823999 (VCV000823999.22), dbSNP rs1006294051, ClinGen allele CA323121241.